The following is an entry in ClinVar:

NM_000744.7(CHRNA4):c.1524C>T (p.Gly508=)

Gene: CHRNA4 (cholinergic receptor nicotinic alpha 4 subunit; minus strand). Cytogenetic location: 20q13.33.
Variant type: single nucleotide variant.
Coding change: c.1524C>T on transcript NM_000744.7 (MANE Select); coding-DNA position 1524, C replaced by T.
Protein change: p.Gly508=; no amino-acid change (glycine 508 retained).
Molecular consequence: synonymous variant. On other transcripts: non-coding transcript variant (1).
Genome position (GRCh38, 1-based): chr20:63,349,887, G>A on the plus strand (C>T on the coding strand, the complement: CHRNA4 is on the minus strand). VCF-style: chr20-63349887-G-A. GRCh37 (hg19) VCF-style: chr20-61981239-G-A.
Other names: p.G508G:GGC>GGT; c.996C>T, p.Gly332= (NM_001256573.2).
Identifiers: ClinVar variation 136760 (VCV000136760.16), dbSNP rs56069517, ClinGen allele CA290085.

ClinVar aggregate classification (germline): Benign. Review status: criteria provided, multiple submitters, no conflicts (2 of 4 stars). 4 submissions from 4 submitters: Benign (4). Last evaluated 2026-02-03.

Conditions:
Familial sleep-related hypermotor epilepsy. Also called: Autosomal Dominant Sleep-Related Hypermotor (Hyperkinetic) Epilepsy. Identifiers: Orphanet 98784, MedGen C3696898, MONDO:0000030.
Inborn genetic diseases. Identifiers: MedGen C0950123, MeSH D030342.

Allele frequency attached by ClinVar (database versions not stated): ESP Exome Variant Server 0.00069; gnomAD 0.00068 and 0.00116; ExAC 0.00388; TOPMed 0.00076; 1000 Genomes Project 30x 0.00187; 1000 Genomes Project 0.00200; gnomAD exomes 0.00304.
gnomAD v4.1: 2,641 of 1,593,084 alleles (0.17%); highest among the groups gnomAD compares: South Asian, 1.8%; 38 homozygotes.

Submissions (4):

Labcorp Genetics (formerly Invitae), Labcorp
Classification: Benign. Last evaluated: 2026-02-03. Review status: criteria provided, single submitter. Criteria: Invitae Variant Classification Sherloc (09022015). Collection method: clinical testing. Allele origin: germline.

Ambry Genetics
Classification: Benign for Inborn genetic diseases. Last evaluated: 2017-04-03. Review status: criteria provided, single submitter. Criteria: Ambry Variant Classification Scheme 2023. Collection method: clinical testing. Allele origin: germline.

GeneDx
Classification: Benign. Last evaluated: 2013-09-17. Review status: criteria provided, single submitter. Criteria: GeneDx Variant Classification (06012015). Collection method: clinical testing. Allele origin: germline. Affected: yes.
Comment: This variant is considered likely benign or benign based on one or more of the following criteria: it is a conservative change, it occurs at a poorly conserved position in the protein, it is predicted to be benign by multiple in silico algorithms, and/or has population frequency not consistent with disease.

Breakthrough Genomics
Classification: Benign. Review status: criteria provided, single submitter. Criteria: ACMG Guidelines, 2015. Collection method: not provided. Allele origin: germline. Inheritance: Autosomal dominant inheritance. Affected: yes.